The following is an entry in ClinVar:

ClinVar aggregate classification (germline): Uncertain significance (1 of 4 stars; one submission).

Submission:

GeneDx
Classification: Uncertain significance. Last evaluated: 2023-02-23. Review status: criteria provided, single submitter. Criteria: GeneDx Variant Classification Process June 2021. Collection method: clinical testing. Allele origin: germline. Affected: yes.
Comment: Not observed at significant frequency in large population cohorts (gnomAD); In silico analysis supports that this missense variant does not alter protein structure/function; Has not been previously published as pathogenic or benign to our knowledge

NM_024411.5(PDYN):c.430G>C (p.Glu144Gln)

Genes: PDYN (prodynorphin; minus strand), PDYN-AS1 (PDYN antisense RNA 1; plus strand). Cytogenetic location: 20p13.
Variant type: single nucleotide variant.
Coding change: c.430G>C on transcript NM_024411.5 (MANE Select); coding-DNA position 430, G replaced by C.
Protein change: p.Glu144Gln; replaces glutamic acid 144 with glutamine.
Molecular consequence: missense variant.
Genome position (GRCh38, 1-based): chr20:1,980,658, C>G on the plus strand (G>C on the coding strand, the complement: PDYN is on the minus strand). VCF-style: chr20-1980658-C-G. GRCh37 (hg19) VCF-style: chr20-1961304-C-G.
Other names: c.430G>C, p.Glu144Gln (NM_001190898.3, NM_001190899.2, NM_001190900.1 and 1 more transcripts); short protein forms E144Q.
Identifiers: ClinVar variation 2577768 (VCV002577768.1), dbSNP rs2514336687, ClinGen allele CA408003163.